The following is an entry in ClinVar:

NM_002519.3(NPAT):c.1423A>G (p.Met475Val)

Gene: NPAT (nuclear protein, coactivator of histone transcription; minus strand). Cytogenetic location: 11q22.3.
Variant type: single nucleotide variant.
Coding change: c.1423A>G on transcript NM_002519.3 (MANE Select); coding-DNA position 1423, A replaced by G.
Protein change: p.Met475Val; replaces methionine 475 with valine.
Molecular consequence: missense variant.
Genome position (GRCh38, 1-based): chr11:108,173,561, T>C on the plus strand (A>G on the coding strand, the complement: NPAT is on the minus strand). VCF-style: chr11-108173561-T-C. GRCh37 (hg19) VCF-style: chr11-108044288-T-C.
Other names: c.1423A>G, p.Met475Val (NM_001321307.1); short protein forms M475V.
Identifiers: ClinVar variation 1772305 (VCV001772305.3), dbSNP rs185393090, ClinGen allele CA382515284.

ClinVar aggregate classification (germline): Uncertain significance (1 of 4 stars; one submission).

Allele frequency attached by ClinVar (database versions not stated): gnomAD exomes below 0.00001; TOPMed 0.00001.
gnomAD v4.1: 7 of 1,614,090 alleles (0.00043%); highest among the groups gnomAD compares: Non-Finnish European, 0.00059%; no homozygotes.

Submission:

Ambry Genetics
Classification: Uncertain significance. Last evaluated: 2023-08-26. Review status: criteria provided, single submitter. Criteria: Ambry Variant Classification Scheme 2023. Collection method: clinical testing. Allele origin: germline.
Comment: The p.M475V variant (also known as c.1423A>G), located in coding exon 13 of the NPAT gene, results from an A to G substitution at nucleotide position 1423. The methionine at codon 475 is replaced by valine, an amino acid with highly similar properties. This amino acid position is conserved. In addition, this alteration is predicted to be tolerated by in silico analysis. Since supporting evidence is limited at this time, the clinical significance of this alteration remains unclear.